The following is an entry in ClinVar:

NM_000217.3(KCNA1):c.-839C>T

Gene: KCNA1 (potassium voltage-gated channel subfamily A member 1; plus strand). Cytogenetic location: 12p13.32.
Variant type: single nucleotide variant.
Coding change: c.-839C>T on transcript NM_000217.3 (MANE Select); 839 bases upstream of the start codon, C replaced by T.
Molecular consequence: 5 prime UTR variant.
Genome position (GRCh38, 1-based): chr12:4,910,173, C>T. VCF-style: chr12-4910173-C-T. GRCh37 (hg19) VCF-style: chr12-5019339-C-T.
Identifiers: ClinVar variation 309128 (VCV000309128.6), dbSNP rs12303537, ClinGen allele CA10642448.
Genomic context (GRCh38, chr12:4,910,173, plus strand): 5'-AGTGCTGTTTATCGTCATTTGCCTCGGAGCTTCGAGAGAGGGTGGTATTTTGCTTTTCCG[C>T]CCCGCATCCTCCGGAACTCCCTGCACCGGAGAGAGGACGGCGTCTCCAGGTTGCTGGCAA-3'

ClinVar aggregate classification (germline): Benign (1 of 4 stars; one submission).

Conditions:
Episodic ataxia type 1 (EA1). Also called: ATAXIA, EPISODIC, WITH MYOKYMIA; MYOKYMIA WITH PERIODIC ATAXIA; PAROXYSMAL ATAXIA WITH NEUROMYOTONIA, HEREDITARY; Episodic ataxia/myokymia syndrome. Identifiers: Orphanet 37612, Orphanet 972, MedGen C1719788, MONDO:0008047, OMIM 160120.

Allele frequency attached by ClinVar (database versions not stated): gnomAD exomes 0.00289; gnomAD 0.01982 and 0.02035; TOPMed 0.02373; 1000 Genomes Project 30x 0.04341; 1000 Genomes Project 0.04353.
gnomAD v4.1: 3,072 of 152,646 alleles (2%); highest among the groups gnomAD compares: East Asian, 12%; 100 homozygotes.

Submission:

Illumina Laboratory Services, Illumina
Classification: Benign for Episodic ataxia type 1. Last evaluated: 2018-01-12. Review status: criteria provided, single submitter. Criteria: ICSL Variant Classification Criteria 13 December 2019. Collection method: clinical testing. Allele origin: germline.
Comment: This variant was observed in the ICSL laboratory as part of a predisposition screen in an ostensibly healthy population. It had not been previously curated by ICSL or reported in the Human Gene Mutation Database (HGMD: prior to June 1st, 2018), and was therefore a candidate for classification through an automated scoring system. Utilizing variant allele frequency, disease prevalence and penetrance estimates, and inheritance mode, an automated score was calculated to assess if this variant is too frequent to cause the disease. Based on the score and internal cut-off values, a variant classified as benign is not then subjected to further curation. The score for this variant resulted in a classification of benign for this disease.